The following is an entry in ClinVar:

ClinVar aggregate classification (germline): Uncertain significance (0 of 4 stars; one submission).

Conditions:
Prostate cancer. Also called: Malignant tumor of prostate. Identifiers: Orphanet 1331, MedGen C0376358, MONDO:0008315, HP:0012125.

Submission:

Science for Life laboratory,  Karolinska Institutet
Classification: Uncertain significance for Malignant tumor of prostate. Review status: no assertion criteria provided. Collection method: not provided. Allele origin: somatic.
Comment: TumorID:SWE-10
ClinVar note: Converted during submission from Unknown to Uncertain significance.

NM_013373.4(ZDHHC8):c.1022C>A (p.Ala341Asp)

Gene: ZDHHC8 (zDHHC palmitoyltransferase 8; plus strand). Cytogenetic location: 22q11.21.
Variant type: single nucleotide variant.
Coding change: c.1022C>A on transcript NM_013373.4 (MANE Select); coding-DNA position 1022, C replaced by A.
Protein change: p.Ala341Asp; replaces alanine 341 with aspartic acid.
Molecular consequence: missense variant.
Genome position (GRCh38, 1-based): chr22:20,141,427, C>A. VCF-style: chr22-20141427-C-A. GRCh37 (hg19) VCF-style: chr22-20128950-C-A.
Other names: c.1022C>A, p.Ala341Asp (NM_001185024.2); short protein forms A341D.
Identifiers: ClinVar variation 161668 (VCV000161668.2), dbSNP rs193920775, ClinGen allele CA174565.
Genomic context (GRCh38, chr22:20,141,427, plus strand): 5'-GGATATGGGTTGACCCTCCTCTGACCTCAGTCTGACAGTGGTCTGCATCCCCAGAGAGTG[C>A]CCTGTCGGTGCAGAGGACCAGCCCCCCGACACCTGCCATGTACAAGTTTAGGCCGGCTTT-3'
Protein context (NP_037505.1, residues 331-351): QTPRPGSAES[Ala341Asp]LSVQRTSPPT